The following is an entry in ClinVar:

ClinVar aggregate classification (germline): Uncertain significance. Review status: criteria provided, multiple submitters, no conflicts (2 of 4 stars). 10 submissions from 10 submitters: Uncertain significance (10). Last evaluated 2026-08-04.

Conditions:
MYBPC3-related disorder. Also called: MYBPC3-related disorders; MYBPC3-related condition; MYBPC3-related disease.
Cardiovascular phenotype. Identifiers: MedGen CN230736.
Cardiomyopathy (CMYO). Also called: Cardiomyopathies. Identifiers: Orphanet 167848, MedGen C0878544, MONDO:0004994, HP:0001638. Inheritance: Various modes of inheritance.
Hypertrophic cardiomyopathy 4. Also called: Familial hypertrophic cardiomyopathy 4. Identifiers: MedGen C1861862, MONDO:0007268, OMIM 115197.
Hypertrophic cardiomyopathy. Also called: HYPERTROPHIC MYOCARDIOPATHY. Identifiers: Orphanet 217569, MedGen C0007194, MeSH D002312, MONDO:0005045, HP:0001639.

Allele frequency attached by ClinVar (database versions not stated): ExAC 0.00001; gnomAD 0.00001; TOPMed 0.00001; gnomAD exomes 0.00003 and 0.00004; 1000 Genomes Project 30x 0.00016; 1000 Genomes Project 0.00020.
gnomAD v4.1: 53 of 1,613,086 alleles (0.0033%); highest among the groups gnomAD compares: Admixed American, 0.015%; no homozygotes.

Submissions (10):

PreventionGenetics, part of Exact Sciences
Classification: Uncertain significance for MYBPC3-related condition. Last evaluated: 2026-08-04. Review status: criteria provided, single submitter. Criteria: ACMG Guidelines, 2015. Collection method: clinical testing. Allele origin: germline.
Comment: The MYBPC3 c.994G>A variant is predicted to result in the amino acid substitution p.Glu332Lys. This variant has been reported in individuals with hypertrophic or dilated cardiomyopathy; however, one of these individuals also carried a causative variant in MYH7 (Table S1A and S1B, Walsh et al. 2016. PubMed ID: 27532257; Table S1, Pugh et al. 2014. PubMed ID: 24503780). This variant is reported in 0.020% of alleles in individuals of Latino descent in gnomAD and is interpreted as uncertain in ClinVar (Variation ID: 42815). An alternative missense change at the same amino acid position (p.Glu332Asp) has been observed in an individual with hypertrophic cardiomyopathy (Micheu et al. 2020. PubMed ID: 33297573). At this time, the clinical significance of this variant is uncertain due to the absence of conclusive functional and genetic evidence.

All of Us Research Program, National Institutes of Health
Classification: Uncertain significance for Hypertrophic cardiomyopathy. Last evaluated: 2024-07-20. Review status: criteria provided, single submitter. Criteria: ACMG Guidelines, 2015. Collection method: clinical testing. Allele origin: germline. Inheritance: Autosomal dominant inheritance. Observed: 8 variant alleles, 8 heterozygotes.
Comment: This missense variant replaces glutamic acid with lysine at codon 332 of the MYBPC3 protein. Computational prediction suggests that this variant may not impact protein structure and function (internally defined REVEL score threshold <= 0.5, PMID: 27666373). To our knowledge, functional studies have not been reported for this variant. This variant has been reported in an individual affected with hypertrophic cardiomyopathy (PMID: 27532257). It has also been reported in individuals affected with dilated cardiomyopathy; one of these individuals also carried a pathogenic variant in the MYH7 gene (PMID: 24503780, 27532257). This variant has been identified in 8/246592 chromosomes in the general population by the Genome Aggregation Database (gnomAD). The available evidence is insufficient to determine the role of this variant in disease conclusively. Therefore, this variant is classified as a Variant of Uncertain Significance.

This study involves interpretation of variants in research participants for the purpose of population health screening. Participant phenotype was not available at the time of variant classification. Additional details can be found in publication PMID: 35346344, PMCID: PMC8962531

Color Diagnostics, LLC DBA Color Health
Classification: Uncertain significance for Cardiomyopathy. Last evaluated: 2023-10-02. Review status: criteria provided, single submitter. Criteria: ACMG Guidelines, 2015. Collection method: clinical testing. Allele origin: germline.
Comment: This missense variant replaces glutamic acid with lysine at codon 332 of the MYBPC3 protein. Computational prediction suggests that this variant may not impact protein structure and function (internally defined REVEL score threshold <= 0.5, PMID: 27666373). To our knowledge, functional studies have not been reported for this variant. This variant has been reported in an individual affected with hypertrophic cardiomyopathy (PMID: 27532257). It has also been reported in individuals affected with dilated cardiomyopathy; one of these individuals also carried a pathogenic variant in the MYH7 gene (PMID: 24503780, 27532257). This variant has been identified in 8/246592 chromosomes in the general population by the Genome Aggregation Database (gnomAD). The available evidence is insufficient to determine the role of this variant in disease conclusively. Therefore, this variant is classified as a Variant of Uncertain Significance.

Blueprint Genetics
Classification: Uncertain significance. Last evaluated: 2023-09-11. Review status: criteria provided, single submitter. Criteria: ACMG Guidelines, 2015. Collection method: clinical testing. Allele origin: germline.

Labcorp Genetics (formerly Invitae), Labcorp
Classification: Uncertain significance for Hypertrophic cardiomyopathy. Last evaluated: 2023-08-27. Review status: criteria provided, single submitter. Criteria: Invitae Variant Classification Sherloc (09022015). Collection method: clinical testing. Allele origin: germline.
Comment: In summary, the available evidence is currently insufficient to determine the role of this variant in disease. Therefore, it has been classified as a Variant of Uncertain Significance. An algorithm developed to predict the effect of missense changes on protein structure and function (PolyPhen-2) suggests that this variant is likely to be disruptive. ClinVar contains an entry for this variant (Variation ID: 42815). This missense change has been observed in individuals with hypertrophic cardiomyopathy and dilated cardiomyopathy (PMID: 27532257). This variant is present in population databases (rs397516086, gnomAD 0.02%). This sequence change replaces glutamic acid, which is acidic and polar, with lysine, which is basic and polar, at codon 332 of the MYBPC3 protein (p.Glu332Lys).

Ambry Genetics
Classification: Uncertain significance for Cardiovascular phenotype. Last evaluated: 2021-08-01. Review status: criteria provided, single submitter. Criteria: Ambry Variant Classification Scheme 2023. Collection method: clinical testing. Allele origin: germline.

Laboratory for Molecular Medicine, Mass General Brigham Personalized Medicine
Classification: Uncertain significance. Last evaluated: 2019-08-29. Review status: criteria provided, single submitter. Criteria: LMM Criteria. Collection method: clinical testing. Allele origin: germline. Observed: 2 variant alleles.
Comment: Variant classified as Uncertain Significance - Favor Benign. The p.Glu332Lys variant in MYBPC3 has been reported in 2 individuals with DCM and 1 individual with HCM, one of whom carried an additional pathogenic variant in MYBPC3 (Walsh 2017, LMM data). It has also been identified in 0.02% (7/34248) of Latino chromosomes by gnomAD and reported in ClinVar (Variation ID #42815). Computational prediction tools and conservation analyses suggest that this variant may impact the protein, though this information is not predictive enough to determine pathogenicity. In summary, while the clinical significance of this variant is uncertain, these data suggest that it is more likely to be benign. ACMG/AMP Criteria applied: PP3, BS1_Supporting, BS4.

Mendelics
Classification: Uncertain significance for Hypertrophic cardiomyopathy 4. Last evaluated: 2019-05-28. Review status: criteria provided, single submitter. Criteria: Mendelics Assertion Criteria 2017. Collection method: clinical testing. Allele origin: unknown.

Stanford Center for Inherited Cardiovascular Disease, Stanford University
Classification: Uncertain significance. Last evaluated: 2017-12-21. Review status: criteria provided, single submitter. Criteria: ACMG Guidelines, 2015. Collection method: provider interpretation. Allele origin: germline.

GeneDx
Classification: Uncertain significance. Last evaluated: 2016-10-07. Review status: criteria provided, single submitter. Criteria: GeneDx Variant Classification (06012015). Collection method: clinical testing. Allele origin: germline. Affected: yes.
Comment: The E332K variant in the MYBPC3 gene has been reported as a variant of uncertain significance in association with DCM (Pugh et al., 2014). Pugh et al. (2014) identified the E332K variant in two unrelated individuals with a clinical and family history of DCM, one of whom also harbored a likely pathogenic variant in the MYH7 gene. The E332K variant has been also reported as a pathogenic variant, but clinical information was not provided (Zimmerman R et al., 2010). The E332K variant was not observed in approximately 6,400 individuals of European and African American ancestry in the NHLBI Exome Sequencing Project, indicating it is not a common benign variant in these populations. The E332K variant is a non-conservative amino acid substitution, which is likely to impact secondary protein structure as these residues differ in polarity, charge, size and/or other properties. This substitution occurs at a position that is conserved across mammals. In silico analysis predicts this variant is probably damaging to the protein structure/function. Therefore, based on the currently available information, it is unclear whether this variant is pathogenic or rare benign.

Literature cited by the submitters: PubMed 24503780 (cited by All of Us Research Program, National Institutes of Health and Color Diagnostics, LLC DBA Color Health); PubMed 27532257 (cited by 4 submitters); PubMed 20474083 (cited by Laboratory for Molecular Medicine, Mass General Brigham Personalized Medicine).

NM_000256.3(MYBPC3):c.994G>A (p.Glu332Lys)

Gene: MYBPC3 (myosin binding protein C3; minus strand). Cytogenetic location: 11p11.2.
Variant type: single nucleotide variant.
Coding change: c.994G>A on transcript NM_000256.3 (MANE Select); coding-DNA position 994, G replaced by A.
Protein change: p.Glu332Lys; replaces glutamic acid 332 with lysine.
Molecular consequence: missense variant.
Genome position (GRCh38, 1-based): chr11:47,346,303, C>T on the plus strand (G>A on the coding strand, the complement: MYBPC3 is on the minus strand). VCF-style: chr11-47346303-C-T. GRCh37 (hg19) VCF-style: chr11-47367854-C-T.
Other names: p.E332K:GAG>AAG; short protein forms E332K.
Identifiers: ClinVar variation 42815 (VCV000042815.27), dbSNP rs397516086, ClinGen allele CA016247.
Genomic context (GRCh38, chr11:47,346,303, plus strand): 5'-GCCTCTTTAGCATGCCGCGCAGGTCAGTGACGCCGTACTGGAAGGCGATGCGCTCGTACT[C>T]AGATGGGGGTGCCTGCCGTAGGATCTCCCACACGTCCTCCTCTGCTGGTGCCTCCAGCTT-3'
Protein context (NP_000247.2, residues 322-342): WEILRQAPPS[Glu332Lys]YERIAFQYGV